The following is an entry in ClinVar:

NM_002524.5(NRAS):c.274G>A (p.Asp92Asn)

Gene: NRAS (NRAS proto-oncogene, GTPase; minus strand). Cytogenetic location: 1p13.2.
Variant type: single nucleotide variant.
Coding change: c.274G>A on transcript NM_002524.5 (MANE Select); coding-DNA position 274, G replaced by A.
Protein change: p.Asp92Asn; replaces aspartic acid 92 with asparagine.
Molecular consequence: missense variant.
Genome position (GRCh38, 1-based): chr1:114,713,816, C>T on the plus strand (G>A on the coding strand, the complement: NRAS is on the minus strand). VCF-style: chr1-114713816-C-T. GRCh37 (hg19) VCF-style: chr1-115256437-C-T.
Other names: short protein forms D92N.
Identifiers: ClinVar variation 1334643 (VCV001334643.4), dbSNP rs2101741771, ClinGen allele CA341741330.

ClinVar aggregate classification (germline): Uncertain significance (1 of 4 stars; one submission).

Submission:

Greenwood Genetic Center Diagnostic Laboratories, Greenwood Genetic Center
Classification: Uncertain significance. Last evaluated: 2021-04-27. Review status: criteria provided, single submitter. Criteria: ACMG Guidelines, 2015. Collection method: clinical testing. Allele origin: germline. Affected: yes.
Comment: PM2